The following is an entry in ClinVar:

NM_001374504.1(TMPRSS6):c.1114C>T (p.Leu372Phe)

Gene: TMPRSS6 (transmembrane serine protease 6; minus strand). Cytogenetic location: 22q12.3.
Variant type: single nucleotide variant.
Coding change: c.1114C>T on transcript NM_001374504.1 (MANE Select); coding-DNA position 1114, C replaced by T.
Protein change: p.Leu372Phe; replaces leucine 372 with phenylalanine.
Molecular consequence: missense variant.
Genome position (GRCh38, 1-based): chr22:37,084,377, G>A on the plus strand (C>T on the coding strand, the complement: TMPRSS6 is on the minus strand). VCF-style: chr22-37084377-G-A. GRCh37 (hg19) VCF-style: chr22-37480417-G-A.
Other names: c.1141C>T (NM_153609.3); c.1114C>T, p.Leu372Phe (NM_001289000.2, NM_001289001.2, NM_153609.4); short protein forms L372F.
Identifiers: ClinVar variation 3971106 (VCV003971106.2).

ClinVar aggregate classification (germline): Uncertain significance. Review status: criteria provided, multiple submitters, no conflicts (2 of 4 stars). 2 submissions from 2 submitters: Uncertain significance (2). Last evaluated 2026-02-19.

Conditions:
Inborn genetic diseases. Identifiers: MedGen C0950123, MeSH D030342.

gnomAD v4.1: 156 of 1,612,686 alleles (0.0097%); highest among the groups gnomAD compares: Non-Finnish European, 0.013%; no homozygotes.

Submissions (2):

GeneDx
Classification: Uncertain significance. Last evaluated: 2026-02-19. Review status: criteria provided, single submitter. Criteria: GeneDx Variant Classification Process June 2021. Collection method: clinical testing. Allele origin: germline.
Comment: In silico analysis supports that this missense variant has a deleterious effect on protein structure/function; Has not been previously published as pathogenic or benign to our knowledge

Ambry Genetics
Classification: Uncertain significance for Inborn genetic diseases. Last evaluated: 2025-03-31. Review status: criteria provided, single submitter. Criteria: Ambry Variant Classification Scheme 2023. Collection method: clinical testing. Allele origin: germline.